The following is an entry in ClinVar:

NM_152703.5(SAMD9L):c.626C>T (p.Thr209Met)

Gene: SAMD9L (sterile alpha motif domain containing 9 like; minus strand). Cytogenetic location: 7q21.2.
Variant type: single nucleotide variant.
Coding change: c.626C>T on transcript NM_152703.5 (MANE Select); coding-DNA position 626, C replaced by T.
Protein change: p.Thr209Met; replaces threonine 209 with methionine.
Molecular consequence: missense variant.
Genome position (GRCh38, 1-based): chr7:93,135,346, G>A on the plus strand (C>T on the coding strand, the complement: SAMD9L is on the minus strand). VCF-style: chr7-93135346-G-A. GRCh37 (hg19) VCF-style: chr7-92764659-G-A.
Other names: c.626C>T, p.Thr209Met (NM_001303496.3, NM_001303497.3, NM_001303498.3 and 5 more transcripts); c.626C>T (NM_152703.2); short protein forms T209M.
Identifiers: ClinVar variation 1035059 (VCV001035059.20), dbSNP rs376481930, ClinGen allele CA4343843.

ClinVar aggregate classification (germline): Uncertain significance. Review status: criteria provided, multiple submitters, no conflicts (2 of 4 stars). 8 submissions from 8 submitters: Uncertain significance (7). 1 of the submissions does not count toward it. Last evaluated 2025-11-18.

Conditions:
SAMD9L-related disorder. Also called: SAMD9L-related condition; SAMD9L-related disorders.
Inborn genetic diseases. Identifiers: MedGen C0950123, MeSH D030342.
Ataxia-pancytopenia syndrome (ATXPC). Also called: SAMD9L Ataxia-Pancytopenia Syndrome; SAMD9L-Related Syndrome. Identifiers: Orphanet 2585, MedGen C1327919, MONDO:0008038, OMIM 159550.

Allele frequency attached by ClinVar (database versions not stated): ESP Exome Variant Server 0.00008; ExAC 0.00001; gnomAD exomes 0.00002; TOPMed 0.00005; gnomAD 0.00006.

Submissions (8):

Labcorp Genetics (formerly Invitae), Labcorp
Classification: Uncertain significance. Last evaluated: 2025-11-18. Review status: criteria provided, single submitter. Criteria: Invitae Variant Classification Sherloc (09022015). Collection method: clinical testing. Allele origin: germline.
Comment: This sequence change replaces threonine, which is neutral and polar, with methionine, which is neutral and non-polar, at codon 209 of the SAMD9L protein (p.Thr209Met). This variant is present in population databases (rs376481930, gnomAD 0.01%). This variant has not been reported in the literature in individuals affected with SAMD9L-related conditions. ClinVar contains an entry for this variant (Variation ID: 1035059). An algorithm developed to predict the effect of missense changes on protein structure and function (PolyPhen-2) suggests that this variant is likely to be disruptive. In summary, the available evidence is currently insufficient to determine the role of this variant in disease. Therefore, it has been classified as a Variant of Uncertain Significance.

Ambry Genetics
Classification: Uncertain significance for Inborn genetic diseases. Last evaluated: 2025-09-01. Review status: criteria provided, single submitter. Criteria: Ambry Variant Classification Scheme 2023. Collection method: clinical testing. Allele origin: germline.

Blueprint Genetics
Classification: Uncertain significance. Last evaluated: 2024-05-22. Review status: criteria provided, single submitter. Criteria: ACMG Guidelines, 2015. Collection method: clinical testing. Allele origin: germline.

Neuberg Centre For Genomic Medicine, NCGM
Classification: Uncertain significance for Ataxia-pancytopenia syndrome. Last evaluated: 2023-07-22. Review status: criteria provided, single submitter. Criteria: ACMG Guidelines, 2015. Collection method: clinical testing. Allele origin: germline. Inheritance: Autosomal dominant inheritance. Affected: yes.
Comment: The observed missense c.626C>Tp.Thr209Met variant in SAMD9L gene has not been reported previously as a pathogenic variant nor as a benign variant, to our knowledge. This variant is reported with the allele frequency of 0.002% in the gnomAD Exomes. This variant has been reported to the ClinVar database as Uncertain Significance multiple submissions. However, no details are available for independent assessment. The amino acid Thr at position 209 is changed to a Met changing protein sequence and it might alter its composition and physico-chemical properties. The amino acid change p.Thr209Met in SAMD9L is predicted as conserved by GERP++ and PhyloP across 100 vertebrates. Computational evidence Polyphen - Damaging, SIFT - Damaging , and MutationTaster - Polymorphism predicts conflicting evidence on protein structure and function for this variant. For these reasons, this variant has been classified as Uncertain Significance.

Clinical Genetics Laboratory, Skane University Hospital Lund
Classification: Uncertain significance. Last evaluated: 2022-05-27. Review status: criteria provided, single submitter. Criteria: ACMG Guidelines, 2015. Collection method: clinical testing. Allele origin: germline. Affected: yes.

GeneDx
Classification: Uncertain significance. Last evaluated: 2020-12-07. Review status: criteria provided, single submitter. Criteria: GeneDx Variant Classification Process June 2021. Collection method: clinical testing. Allele origin: germline. Affected: yes.
Comment: Not observed at a significant frequency in large population cohorts (Lek et al., 2016); In silico analysis supports that this missense variant does not alter protein structure/function; Has not been previously published as pathogenic or benign to our knowledge

Genetic Services Laboratory, University of Chicago
Classification: Uncertain significance. Last evaluated: 2018-03-22. Review status: criteria provided, single submitter. Criteria: ACMG Guidelines, 2015. Collection method: clinical testing. Allele origin: germline. Affected: no.

PreventionGenetics, part of Exact Sciences
Classification: Uncertain significance for SAMD9L-related condition. Last evaluated: 2024-09-10. Review status: no assertion criteria provided. Collection method: clinical testing. Allele origin: germline. Not counted in ClinVar's aggregate classification.
Comment: The SAMD9L c.626C>T variant is predicted to result in the amino acid substitution p.Thr209Met. To our knowledge, this variant has not been reported in the literature. This variant is reported in 0.0098% of alleles in individuals of South Asian descent in gnomAD. At this time, the clinical significance of this variant is uncertain due to the absence of conclusive functional and genetic evidence.